The following is an entry in ClinVar:

ClinVar aggregate classification (germline): Uncertain significance. Review status: criteria provided, multiple submitters, no conflicts (2 of 4 stars). 6 submissions from 6 submitters: Uncertain significance (5). 1 of the submissions does not count toward it. Last evaluated 2023-10-13.

Conditions:
Inborn genetic diseases. Identifiers: MedGen C0950123, MeSH D030342.
Usher syndrome type 1 (USH1). Also called: RETINITIS PIGMENTOSA AND CONGENITAL DEAFNESS. Identifiers: Orphanet 231169, Orphanet 886, MedGen C1568247, MONDO:0010168, OMIM 276900.
Usher syndrome type 1F (USH1F). Also called: USHER SYNDROME, TYPE IF. Identifiers: Orphanet 231169, Orphanet 886, MedGen C1865885, MONDO:0011186, OMIM 602083.

Allele frequency attached by ClinVar (database versions not stated): gnomAD 0.00003; TOPMed 0.00003.
gnomAD v4.1: 69 of 1,612,754 alleles (0.0043%); highest among the groups gnomAD compares: Non-Finnish European, 0.0055%; no homozygotes.

Submissions (6):

Ambry Genetics
Classification: Uncertain significance for Inborn genetic diseases. Last evaluated: 2023-10-13. Review status: criteria provided, single submitter. Criteria: Ambry Variant Classification Scheme 2023. Collection method: clinical testing. Allele origin: germline.

Labcorp Genetics (formerly Invitae), Labcorp
Classification: Uncertain significance. Last evaluated: 2022-09-27. Review status: criteria provided, single submitter. Criteria: Invitae Variant Classification Sherloc (09022015). Collection method: clinical testing. Allele origin: germline.
Comment: This sequence change replaces valine, which is neutral and non-polar, with leucine, which is neutral and non-polar, at codon 156 of the PCDH15 protein (p.Val156Leu). This variant is present in population databases (rs534173969, gnomAD 0.006%). This variant has not been reported in the literature in individuals affected with PCDH15-related conditions. ClinVar contains an entry for this variant (Variation ID: 300204). Advanced modeling of protein sequence and biophysical properties (such as structural, functional, and spatial information, amino acid conservation, physicochemical variation, residue mobility, and thermodynamic stability) performed at Invitae indicates that this missense variant is not expected to disrupt PCDH15 protein function. In summary, the available evidence is currently insufficient to determine the role of this variant in disease. Therefore, it has been classified as a Variant of Uncertain Significance.

Blueprint Genetics
Classification: Uncertain significance. Last evaluated: 2021-04-06. Review status: criteria provided, single submitter. Criteria: ACMG Guidelines, 2015. Collection method: clinical testing. Allele origin: germline.

Laboratory for Molecular Medicine, Mass General Brigham Personalized Medicine
Classification: Uncertain significance. Last evaluated: 2018-05-25. Review status: criteria provided, single submitter. Criteria: LMM Criteria. Collection method: clinical testing. Allele origin: germline. Observed: 1 variant allele.
Comment: The p.Val156Leu variant in PCDH15 has not been previously reported in individual s with hearing loss or Usher syndrome, but has been identified in 8/126178 Europ ean chromosomes by the Genome Aggregation Database (gnomAD; dbSNP rs534173969). Although this variant has been seen in the gen eral population, its frequency is not high enough to rule out a pathogenic role. This variant has also been reported in ClinVar (Variation ID 300204). Computati onal prediction tools and conservation analysis suggest that the p.Val156Leu var iant may impact the protein, though this information is not predictive enough to determine pathogenicity. In summary, the clinical significance of the p.Val156L eu variant is uncertain. ACMG/AMP Criteria applied: PM2, PP3.

Illumina Laboratory Services, Illumina
Classification: Uncertain significance for Usher syndrome type 1. Last evaluated: 2018-01-12. Review status: criteria provided, single submitter. Criteria: ICSL Variant Classification Criteria 13 December 2019. Collection method: clinical testing. Allele origin: germline.

Natera, Inc.
Classification: Uncertain significance for Usher syndrome type 1F. Last evaluated: 2019-11-11. Review status: no assertion criteria provided. Collection method: clinical testing. Allele origin: germline. Not counted in ClinVar's aggregate classification.

NM_001384140.1(PCDH15):c.466G>C (p.Val156Leu)

Gene: PCDH15 (protocadherin related 15; minus strand). Cytogenetic location: 10q21.1.
Variant type: single nucleotide variant.
Coding change: c.466G>C on transcript NM_001384140.1 (MANE Select); coding-DNA position 466, G replaced by C.
Protein change: p.Val156Leu; replaces valine 156 with leucine.
Molecular consequence: missense variant.
Genome position (GRCh38, 1-based): chr10:54,369,128, C>G on the plus strand (G>C on the coding strand, the complement: PCDH15 is on the minus strand). VCF-style: chr10-54369128-C-G. GRCh37 (hg19) VCF-style: chr10-56128888-C-G.
Other names: c.481G>C, p.Val161Leu (NM_001142763.2, NM_001142769.4, NM_001142771.2); c.466G>C, p.Val156Leu (NM_001142764.2, NM_001142765.2, NM_001142766.2 and 8 more transcripts); c.400G>C, p.Val134Leu (NM_001142768.2, NM_001142773.2, NM_001354404.2); short protein forms V156L, V161L, V134L.
Identifiers: ClinVar variation 300204 (VCV000300204.13), dbSNP rs534173969, ClinGen allele CA5506694.